The following is an entry in ClinVar:

ClinVar aggregate classification (germline): Uncertain significance. Review status: criteria provided, multiple submitters, no conflicts (2 of 4 stars). 2 submissions from 2 submitters: Uncertain significance (2). Last evaluated 2025-06-24.

Conditions:
Inborn genetic diseases. Identifiers: MedGen C0950123, MeSH D030342.
Brachyolmia-amelogenesis imperfecta syndrome. Also called: Tooth agenesis, selective, 6; Dental anomalies and short stature; PLATYSPONDYLY WITH AMELOGENESIS IMPERFECTA. Identifiers: Orphanet 2899, MedGen C1832594, MONDO:0011018, OMIM 601216. Disease mechanism: loss of function.

Allele frequency attached by ClinVar (database versions not stated): gnomAD exomes 0.00001; TOPMed 0.00002; gnomAD 0.00003.
gnomAD v4.1: 15 of 1,515,800 alleles (0.00099%); highest among the groups gnomAD compares: Admixed American, 0.0062%; no homozygotes.

Submissions (2):

Labcorp Genetics (formerly Invitae), Labcorp
Classification: Uncertain significance for Brachyolmia-amelogenesis imperfecta syndrome. Last evaluated: 2025-06-24. Review status: criteria provided, single submitter. Criteria: Invitae Variant Classification Sherloc (09022015). Collection method: clinical testing. Allele origin: germline.
Comment: This sequence change replaces arginine, which is basic and polar, with glutamine, which is neutral and polar, at codon 1134 of the LTBP3 protein (p.Arg1134Gln). The frequency data for this variant in the population databases is considered unreliable, as metrics indicate poor data quality at this position in the gnomAD database. This variant has not been reported in the literature in individuals affected with LTBP3-related conditions. ClinVar contains an entry for this variant (Variation ID: 1480416). An algorithm developed to predict the effect of missense changes on protein structure and function outputs the following: PolyPhen-2: "Benign". The glutamine amino acid residue is found in multiple mammalian species, which suggests that this missense change does not adversely affect protein function. In summary, the available evidence is currently insufficient to determine the role of this variant in disease. Therefore, it has been classified as a Variant of Uncertain Significance.

Ambry Genetics
Classification: Uncertain significance for Inborn genetic diseases. Last evaluated: 2025-04-12. Review status: criteria provided, single submitter. Criteria: Ambry Variant Classification Scheme 2023. Collection method: clinical testing. Allele origin: germline.

NM_001130144.3(LTBP3):c.3401G>A (p.Arg1134Gln)

Gene: LTBP3 (latent transforming growth factor beta binding protein 3; minus strand). Cytogenetic location: 11q13.1.
Variant type: single nucleotide variant.
Coding change: c.3401G>A on transcript NM_001130144.3 (MANE Select); coding-DNA position 3401, G replaced by A.
Protein change: p.Arg1134Gln; replaces arginine 1134 with glutamine.
Molecular consequence: missense variant.
Genome position (GRCh38, 1-based): chr11:65,539,866, C>T on the plus strand (G>A on the coding strand, the complement: LTBP3 is on the minus strand). VCF-style: chr11-65539866-C-T. GRCh37 (hg19) VCF-style: chr11-65307337-C-T.
Other names: c.2909G>A, p.Arg970Gln (NM_001164266.1); c.3260G>A, p.Arg1087Gln (NM_021070.4); short protein forms R1087Q, R1134Q, R970Q.
Identifiers: ClinVar variation 1480416 (VCV001480416.12), dbSNP rs939910538, ClinGen allele CA224008816.